The following is an entry in ClinVar:

NM_000747.3(CHRNB1):c.1004G>A (p.Arg335His)

Gene: CHRNB1 (cholinergic receptor nicotinic beta 1 subunit; plus strand). Cytogenetic location: 17p13.1.
Variant type: single nucleotide variant.
Coding change: c.1004G>A on transcript NM_000747.3 (MANE Select); coding-DNA position 1004, G replaced by A.
Protein change: p.Arg335His; replaces arginine 335 with histidine.
Molecular consequence: missense variant.
Genome position (GRCh38, 1-based): chr17:7,454,480, G>A. VCF-style: chr17-7454480-G-A. GRCh37 (hg19) VCF-style: chr17-7357799-G-A.
Other names: short protein forms R335H.
Identifiers: ClinVar variation 1415167 (VCV001415167.6), dbSNP rs746417364, ClinGen allele CA8347933.

ClinVar aggregate classification (germline): Uncertain significance (1 of 4 stars; one submission).

Conditions:
Congenital myasthenic syndrome 2A. Also called: Myasthenic syndrome, congenital, 2a, slow-channel. Identifiers: Orphanet 590, MedGen C4225374, MONDO:0014581, OMIM 616313.

Allele frequency attached by ClinVar (database versions not stated): gnomAD exomes below 0.00001 and 0.00002; gnomAD 0.00001; TOPMed 0.00001; ExAC 0.00002.

Submission:

Labcorp Genetics (formerly Invitae), Labcorp
Classification: Uncertain significance for Congenital myasthenic syndrome 2A. Last evaluated: 2024-08-22. Review status: criteria provided, single submitter. Criteria: Invitae Variant Classification Sherloc (09022015). Collection method: clinical testing. Allele origin: germline.
Comment: This sequence change replaces arginine, which is basic and polar, with histidine, which is basic and polar, at codon 335 of the CHRNB1 protein (p.Arg335His). This variant is present in population databases (rs746417364, gnomAD 0.007%). This variant has not been reported in the literature in individuals affected with CHRNB1-related conditions. ClinVar contains an entry for this variant (Variation ID: 1415167). Invitae Evidence Modeling of protein sequence and biophysical properties (such as structural, functional, and spatial information, amino acid conservation, physicochemical variation, residue mobility, and thermodynamic stability) has been performed for this missense variant. However, the output from this modeling did not meet the statistical confidence thresholds required to predict the impact of this variant on CHRNB1 protein function. In summary, the available evidence is currently insufficient to determine the role of this variant in disease. Therefore, it has been classified as a Variant of Uncertain Significance.